The following continues an entry in ClinVar:

NM_000256.3(MYBPC3):c.3811C>T (p.Arg1271Ter)

Gene: MYBPC3. ClinVar aggregate classification (germline): Uncertain significance. Uncertain significance (1).

Submissions 7 to 16 of 16:

Color Diagnostics, LLC DBA Color Health
Classification: Pathogenic for Cardiomyopathy. Last evaluated: 2023-11-29. Review status: criteria provided, single submitter. Criteria: ACMG Guidelines, 2015. Collection method: clinical testing. Allele origin: germline. Not counted in ClinVar's aggregate classification.
Comment: This variant changes 1 nucleotide in exon 33 of the major myosin binding region of the MYBPC3 gene, creating a premature translation stop signal in the C-terminus region. This variant is predicted to escape nonsense-mediated decay and be expressed as a truncated protein. A functional study using myomectomy samples from a carrier individual have shown reduced protein expression levels (PMID: 19574547). This variant has been reported in over 10 individuals affected with hypertrophic cardiomyopathy (PMID: 18533079, 19574547, 23396983, 25524337, 27532257, 30297972, 31110529, 33495596; communication with external laboratories: ClinVar SCV000208206.13, SCV000059270.6). It has also been reported in one individual suspected to be affected with hypertrophic cardiomyopathy (PMID: 33673806), in one individual affected with cardiomyopathy (PMID: 28254189), and in homozygous state in one child affected with hypertrophic cardiomyopathy (DOI:10.32592/psj.21.3.194). A splicing variant occurring downstream of this variant is known to be disease-causing (ClinVar variation ID: 42746). This variant has been identified in 2/246124 chromosomes in the general population by the Genome Aggregation Database (gnomAD). Loss of MYBPC3 function is a known mechanism of disease. Based on the available evidence, this variant is classified as Pathogenic.

CHEO Genetics Diagnostic Laboratory, Children's Hospital of Eastern Ontario
Classification: Pathogenic for Cardiomyopathy. Last evaluated: 2023-03-22. Review status: criteria provided, single submitter. Criteria: ACMG Guidelines, 2015. Collection method: clinical testing. Allele origin: germline. Not counted in ClinVar's aggregate classification.

Ambry Genetics
Classification: Pathogenic for Cardiovascular phenotype. Last evaluated: 2022-08-26. Review status: criteria provided, single submitter. Criteria: Ambry General Variant Classification Scheme_2022. Collection method: clinical testing. Allele origin: germline. Observed: 1 variant allele. Not counted in ClinVar's aggregate classification.
Comment: The p.R1271* pathogenic mutation (also known as c.3811C>T), located in coding exon 33 of the MYBPC3 gene, results from a C to T substitution at nucleotide position 3811. This changes the amino acid from an arginine to a stop codon within coding exon 33. This alteration occurs at the 3' terminus of theMYBPC3 gene, is not expected to trigger nonsense-mediated mRNA decay, and only impacts the last 4 amino acids of the protein. However, premature stop codons are typically deleterious in nature and the impacted region is critical for protein function (Ambry internal data). This alteration has been reported in individuals with hypertrophic cardiomyopathy (Olivotto I et al. Mayo Clin. Proc., 2008 Jun;83:630-8; Marston S et al. Circ. Res., 2009 Jul;105:219-22; Judge DP. JAMA, 2009 Dec;302:2471-6; Walsh R et al. Genet. Med., 2017 Feb;19:192-203). Based on the supporting evidence, this alteration is interpreted as a disease-causing mutation.

Clinical Genetics Laboratory, Skane University Hospital Lund
Classification: Pathogenic. Last evaluated: 2022-05-27. Review status: criteria provided, single submitter. Criteria: ACMG Guidelines, 2015. Collection method: clinical testing. Allele origin: germline. Affected: yes. Not counted in ClinVar's aggregate classification.

Women's Health and Genetics/Laboratory Corporation of America, LabCorp
Classification: Pathogenic for Cardiomyopathy. Last evaluated: 2022-01-17. Review status: criteria provided, single submitter. Criteria: LabCorp Variant Classification Summary - May 2015. Collection method: clinical testing. Allele origin: germline. Not counted in ClinVar's aggregate classification.
Comment: Variant summary: MYBPC3 c.3811C>T (p.Arg1271X) results in a premature termination codon, predicted to cause a truncation of the encoded protein or absence of the protein due to nonsense mediated decay, which are commonly known mechanisms for disease. Truncations downstream of this position have been associated with hypertrophic cardiomyopathy in HGMD and have been cited as pathogenic in ClinVar. The variant allele was found at a frequency of 8.1e-06 in 246124 control chromosomes (gnomAD). c.3811C>T has been reported in the literature in individuals affected with hypertrophic cardiomyopathy (examples: Martson_2009, Coppini_2014, Ho_2018, Hathaway_2021). These data indicate that the variant is likely to be associated with disease. Experimental evidence demonstrated absence of the expected truncated protein and significantly lower quantity of MyBP-C in myofibrils compared with non-failing donor heart muscle, as determined in myectomy sample(s) with the variant (Martson_2009). Eight clinical diagnostic laboratories have submitted clinical-significance assessments for this variant to ClinVar after 2014 and classified the variant as pathogenic (n=6) / likely pathogenic (n=2). Based on the evidence outlined above, the variant was classified as pathogenic.

3billion
Classification: Pathogenic for Hypertrophic cardiomyopathy 4. Last evaluated: 2022-01-03. Review status: criteria provided, single submitter. Criteria: ACMG Guidelines, 2015. Collection method: clinical testing. Allele origin: germline. Affected: yes. Observed: 1 heterozygote. Not counted in ClinVar's aggregate classification.
Comment: Stop-gained (nonsense): predicted to result in a loss or disruption of normal protein function through protein truncation. Multiple pathogenic variants are reported in the predicted truncated region (PVS1_S). The variant has been reported at least twice as pathogenic/likely pathogenic with clinical assertions and evidence for the classification (ClinVar ID: VCV000042744, PMID:18533079). It is observed at an extremely low frequency in the gnomAD v2.1.1 dataset (total allele frequency: 0.000008, PM2_M). Therefore, this variant is classified as pathogenic according to the recommendation of ACMG/AMP guideline.

Blueprint Genetics
Classification: Pathogenic for MYBPC3-related disorders. Last evaluated: 2019-07-23. Review status: criteria provided, single submitter. Criteria: ACMG Guidelines, 2015. Collection method: clinical testing. Allele origin: germline. Affected: yes. Observed: 4 variant alleles. Not counted in ClinVar's aggregate classification.

Laboratory for Molecular Medicine, Mass General Brigham Personalized Medicine
Classification: Pathogenic for Hypertrophic cardiomyopathy. Last evaluated: 2019-07-03. Review status: criteria provided, single submitter. Criteria: LMM Criteria. Collection method: clinical testing. Allele origin: germline. Inheritance: Autosomal dominant inheritance. Observed: 3 variant alleles. Not counted in ClinVar's aggregate classification.
Comment: The p.Arg1271X variant in MYBPC3 gene has been identified in 6 individuals with HCM and segregated with disease in 1 affected family member (Olivotto 2008, Marston 2009, Lopes 2013, Walsh 2017, LMM data). It has been identified in 2/246124 chromosomes by gnomAD and reported in ClinVar (Variation ID #42744). This nonsense variant leads to a premature termination codon at position 1271, which is predicted to lead to a truncated or absent protein. Loss of function of the MYBCP3 gene is an established disease mechanism in autosomal dominant HCM. In summary, this variant meets criteria to be classified as pathogenic for autosomal dominant HCM. ACMG/AMP Criteria applied: PVS1, PM2, PS4_Moderate.

Center for Advanced Laboratory Medicine, UC San Diego Health, University of California San Diego
Classification: Pathogenic for Long QT Syndrome; Hypertrophic cardiomyopathy. Last evaluated: 2018-06-05. Review status: criteria provided, single submitter. Criteria: ACMG Guidelines, 2015. Collection method: clinical testing. Allele origin: germline. Affected: yes. Observed: 2 variant alleles. Not counted in ClinVar's aggregate classification.

Fulgent Genetics
Classification: Pathogenic for Hypertrophic cardiomyopathy 4; Left ventricular noncompaction 10. Last evaluated: 2017-05-18. Review status: criteria provided, single submitter. Criteria: ACMG Guidelines, 2015. Collection method: clinical testing. Allele origin: unknown. Not counted in ClinVar's aggregate classification.

Literature cited by the submitters: PubMed 18533079 (cited by 7 submitters); PubMed 23396983 (cited by 5 submitters); PubMed 33673806 (cited by 5 submitters); PubMed 19574547 (cited by 7 submitters); PubMed 32396390 (cited by Variantyx, Inc.); PubMed 32163302 (cited by Variantyx, Inc.); PubMed 30025578 (cited by Variantyx, Inc.); PubMed 39486665 (cited by Variantyx, Inc.); PubMed 39160446 (cited by Variantyx, Inc.); PubMed 38002985 (cited by Variantyx, Inc.); PubMed 35626289 (cited by Variantyx, Inc.); PubMed 34714385 (cited by Variantyx, Inc.); PubMed 34076677 (cited by Variantyx, Inc.); PubMed 33996946 (cited by Variantyx, Inc.); PubMed 19996403 (cited by 3 submitters); PubMed 25524337 (cited by 3 submitters); PubMed 27532257 (cited by 4 submitters); PubMed 28254189 (cited by All of Us Research Program, National Institutes of Health and Color Diagnostics, LLC DBA Color Health); PubMed 30297972 (cited by 3 submitters); PubMed 31110529 (cited by All of Us Research Program, National Institutes of Health and Color Diagnostics, LLC DBA Color Health); PubMed 33495596 (cited by All of Us Research Program, National Institutes of Health and Color Diagnostics, LLC DBA Color Health); PubMed 28138913 (cited by Ambry Genetics).